The following is an entry in ClinVar:

NM_000432.4(MYL2):c.335G>A (p.Gly112Glu)

Gene: MYL2 (myosin light chain 2; minus strand). Cytogenetic location: 12q24.11.
Variant type: single nucleotide variant.
Coding change: c.335G>A on transcript NM_000432.4 (MANE Select); coding-DNA position 335, G replaced by A.
Protein change: p.Gly112Glu; replaces glycine 112 with glutamic acid.
Molecular consequence: missense variant.
Genome position (GRCh38, 1-based): chr12:110,913,264, C>T on the plus strand (G>A on the coding strand, the complement: MYL2 is on the minus strand). VCF-style: chr12-110913264-C-T. GRCh37 (hg19) VCF-style: chr12-111351068-C-T.
Other names: c.293G>A, p.Gly98Glu (NM_001406745.1, NM_001406746.1); c.278G>A, p.Gly93Glu (NM_001406916.1); short protein forms G98E, G93E, G112E.
Identifiers: ClinVar variation 1730597 (VCV001730597.28), dbSNP rs918579283, ClinGen allele CA243561569.
Genomic context (GRCh38, chr12:110,913,264, plus strand): 5'-GCAAGCAGGGAACCCCCTTCCTCCCCCACAGACCCCACTCACTAATCAGCCTTCAGCACC[C>T]CTTTGCCTTCAGGGTCAAACACTTTGAATGCGTTGAGAATGGTTTCCTCAGGGTCCGCTC-3'
Protein context (NP_000423.2, residues 102-122): AFKVFDPEGK[Gly112Glu]VLKADYVREM

ClinVar aggregate classification (germline): Uncertain significance. Review status: criteria provided, multiple submitters, no conflicts (2 of 4 stars). 4 submissions from 4 submitters: Uncertain significance (4). Last evaluated 2024-03-24.

Conditions:
Hypertrophic cardiomyopathy. Also called: HYPERTROPHIC MYOCARDIOPATHY. Identifiers: Orphanet 217569, MedGen C0007194, MeSH D002312, MONDO:0005045, HP:0001639.
Cardiovascular phenotype. Identifiers: MedGen CN230736.
Cardiomyopathy (CMYO). Also called: Cardiomyopathies. Identifiers: Orphanet 167848, MedGen C0878544, MONDO:0004994, HP:0001638. Inheritance: Various modes of inheritance.

Allele frequency attached by ClinVar (database versions not stated): gnomAD exomes below 0.00001; TOPMed below 0.00001; gnomAD 0.00001.

Submissions (4):

All of Us Research Program, National Institutes of Health
Classification: Uncertain significance for Hypertrophic cardiomyopathy. Last evaluated: 2024-03-24. Review status: criteria provided, single submitter. Criteria: ACMG Guidelines, 2015. Collection method: clinical testing. Allele origin: germline. Inheritance: Autosomal dominant inheritance. Observed: 1 variant allele, 1 heterozygote.
Comment: This missense variant replaces glycine with glutamic acid at codon 112 of the MYL2 protein. Splice site prediction tools suggest that this variant may impact RNA splicing. Computational prediction tools indicate that this variant has a deleterious impact on protein structure and function. To our knowledge, functional studies have not been reported for this variant. This variant has been reported in one individual affected with an unspecified cardiomyopathy (PMID: 37477868). This variant has not been identified in the general population by the Genome Aggregation Database (gnomAD). The available evidence is insufficient to determine the role of this variant in disease conclusively. Therefore, this variant is classified as a Variant of Uncertain Significance.

This study involves interpretation of variants in research participants for the purpose of population health screening. Participant phenotype was not available at the time of variant classification. Additional details can be found in publication PMID: 35346344, PMCID: PMC8962531

Color Diagnostics, LLC DBA Color Health
Classification: Uncertain significance for Cardiomyopathy. Last evaluated: 2024-03-08. Review status: criteria provided, single submitter. Criteria: ACMG Guidelines, 2015. Collection method: clinical testing. Allele origin: germline.
Comment: This missense variant replaces glycine with glutamic acid at codon 112 of the MYL2 protein. Splice site prediction tools suggest that this variant may impact RNA splicing. Computational prediction tools indicate that this variant has a deleterious impact on protein structure and function. To our knowledge, functional studies have not been reported for this variant. This variant has been reported in one individual affected with an unspecified cardiomyopathy (PMID: 37477868). This variant has not been identified in the general population by the Genome Aggregation Database (gnomAD). The available evidence is insufficient to determine the role of this variant in disease conclusively. Therefore, this variant is classified as a Variant of Uncertain Significance.

CeGaT Center for Human Genetics Tuebingen
Classification: Uncertain significance. Last evaluated: 2022-06-01. Review status: criteria provided, single submitter. Criteria: CeGaT Center For Human Genetics Tuebingen Variant Classification Criteria Version 2. Collection method: clinical testing. Allele origin: germline. Affected: yes. Observed: 1 variant allele.
Comment: MYL2: PP3

Ambry Genetics
Classification: Uncertain significance for Cardiovascular phenotype. Last evaluated: 2021-10-26. Review status: criteria provided, single submitter. Criteria: Ambry Variant Classification Scheme 2023. Collection method: clinical testing. Allele origin: germline.
Comment: The p.G112E variant (also known as c.335G>A), located in coding exon 5 of the MYL2 gene, results from a G to A substitution at nucleotide position 335. The glycine at codon 112 is replaced by glutamic acid, an amino acid with similar properties. This amino acid position is highly conserved in available vertebrate species. In addition, this alteration is predicted to be deleterious by in silico analysis. Since supporting evidence is limited at this time, the clinical significance of this alteration remains unclear.

Literature cited by the submitters: PubMed 37477868 (cited by All of Us Research Program, National Institutes of Health and Color Diagnostics, LLC DBA Color Health).